The following is an entry in ClinVar:

NM_014053.4(FLVCR1):c.1319C>G (p.Thr440Ser)

Gene: FLVCR1 (FLVCR choline and heme transporter 1; plus strand). Cytogenetic location: 1q32.3.
Variant type: single nucleotide variant.
Coding change: c.1319C>G on transcript NM_014053.4 (MANE Select); coding-DNA position 1319, C replaced by G.
Protein change: p.Thr440Ser; replaces threonine 440 with serine.
Molecular consequence: missense variant.
Genome position (GRCh38, 1-based): chr1:212,888,500, C>G. VCF-style: chr1-212888500-C-G. GRCh37 (hg19) VCF-style: chr1-213061842-C-G.
Other names: short protein forms T440S.
Identifiers: ClinVar variation 3027366 (VCV003027366.22), dbSNP rs2464497840, ClinGen allele CA344793126.

ClinVar aggregate classification (germline): Uncertain significance (1 of 4 stars; one submission).

Submission:

CeGaT Center for Human Genetics Tuebingen
Classification: Uncertain significance. Last evaluated: 2024-02-01. Review status: criteria provided, single submitter. Criteria: CeGaT Center For Human Genetics Tuebingen Variant Classification Criteria Version 2. Collection method: clinical testing. Allele origin: germline. Affected: yes. Observed: 1 variant allele.
Comment: FLVCR1: PM2